The following is an entry in ClinVar:

ClinVar aggregate classification (germline): Uncertain significance. Review status: criteria provided, multiple submitters, no conflicts (2 of 4 stars). 2 submissions from 2 submitters: Uncertain significance (2). Last evaluated 2024-01-24.

Conditions:
Autosomal recessive ataxia, Beauce type. Also called: SYNE1-Related Autosomal Recessive Cerebellar Ataxia; Spinocerebellar ataxia, autosomal recessive 8; ATAXIA, RECESSIVE, OF BEAUCE; SYNE1 Deficiency. Identifiers: Orphanet 88644, MedGen C1853116, MONDO:0012549, OMIM 610743.
Emery-Dreifuss muscular dystrophy 4, autosomal dominant (EDMD4). Also called: EMERY-DREIFUSS MUSCULAR DYSTROPHY 4 WITH VARIABLE FEATURES. Identifiers: Orphanet 261, MedGen C2751807, MONDO:0013071, OMIM 612998.

Allele frequency attached by ClinVar (database versions not stated): gnomAD exomes below 0.00001 and 0.00001; ExAC 0.00001; TOPMed 0.00001.
gnomAD v4.1: 12 of 1,612,862 alleles (0.00074%); highest among the groups gnomAD compares: Non-Finnish European, 0.001%; no homozygotes.

Submissions (2):

Labcorp Genetics (formerly Invitae), Labcorp
Classification: Uncertain significance for Emery-Dreifuss muscular dystrophy 4, autosomal dominant; Autosomal recessive ataxia, Beauce type. Last evaluated: 2024-01-24. Review status: criteria provided, single submitter. Criteria: Invitae Variant Classification Sherloc (09022015). Collection method: clinical testing. Allele origin: germline.
Comment: This sequence change replaces tyrosine, which is neutral and polar, with histidine, which is basic and polar, at codon 365 of the SYNE1 protein (p.Tyr365His). The frequency data for this variant in the population databases is considered unreliable, as metrics indicate poor data quality at this position in the gnomAD database. This variant has not been reported in the literature in individuals affected with SYNE1-related conditions. ClinVar contains an entry for this variant (Variation ID: 546364). An algorithm developed to predict the effect of missense changes on protein structure and function (PolyPhen-2) suggests that this variant¬†is likely to be tolerated. In summary, the available evidence is currently insufficient to determine the role of this variant in disease. Therefore, it has been classified as a Variant of Uncertain Significance.

GeneDx
Classification: Uncertain significance. Last evaluated: 2018-05-18. Review status: criteria provided, single submitter. Criteria: GeneDx Variant Classification (06012015). Collection method: clinical testing. Allele origin: germline. Affected: yes.
Comment: A variant of uncertain significance has been identified in the SYNE1 gene. The Y365H variant has not been published as a pathogenic variant, nor has it been reported as a benign variant to our knowledge. The Y365H variant is not observed in large population cohorts (Lek et al., 2016). The Y365H variant is a non-conservative amino acid substitution, which is likely to impact secondary protein structure as these residues differ in polarity, charge, size and/or other properties. In-silico analyses, including protein predictors and evolutionary conservation, support a deleterious effect. Based on the currently available information, it is unclear whether this variant is a pathogenic variant or a rare benign variant.

NM_182961.4(SYNE1):c.1072T>C (p.Tyr358His)

Gene: SYNE1 (spectrin repeat containing nuclear envelope protein 1; minus strand). Cytogenetic location: 6q25.2.
Variant type: single nucleotide variant.
Coding change: c.1072T>C on transcript NM_182961.4 (MANE Select); coding-DNA position 1072, T replaced by C.
Protein change: p.Tyr358His; replaces tyrosine 358 with histidine.
Molecular consequence: missense variant.
Genome position (GRCh38, 1-based): chr6:152,484,948, A>G on the plus strand (T>C on the coding strand, the complement: SYNE1 is on the minus strand). VCF-style: chr6-152484948-A-G. GRCh37 (hg19) VCF-style: chr6-152806083-A-G.
Other names: c.1093T>C, p.Tyr365His (NM_033071.5); short protein forms Y358H, Y365H.
Identifiers: ClinVar variation 546364 (VCV000546364.4), dbSNP rs779366372, ClinGen allele CA4059520.